The following is an entry in ClinVar:

ClinVar aggregate classification (germline): Pathogenic (1 of 4 stars; one submission).

Submission:

Quest Diagnostics Nichols Institute San Juan Capistrano
Classification: Pathogenic. Last evaluated: 2021-10-12. Review status: criteria provided, single submitter. Criteria: ACMG/ClinGen CNV Guidelines, 2019. Collection method: clinical testing. Allele origin: unknown.
Comment: The copy number loss of 13q11q12.11 involves multiple protein genes including ZMYM2 (OMIM 602221) and is expected to cause phenotypic and/or developmental abnormalities. Deletions of 13q12.11 have been reported in several individuals with various phenotypes including mild developmental delay, speech problems, microcephaly, and mild dysmorphic features (Tominaga 2019; Lagou 2014; Der Kaloustian 2011; Tanteles 2011; Vulto-van Silfhout 2013). The approximate 1 Mb smallest region of overlapping is fully encompassed within the current deleted interval (Pavone 2014). Further, haploinsufficiency of ZMYM2 via de novo loss-of-function sequence variants is associated with autosomal dominant neurodevelopmental-craniofacial syndrome with variable renal and cardiac abnormalities (OMIM 619522; Connaughton 2020). This large deletion also includes several genes that are associated with autosomal dominant OMIM phenotypes: GJA3 (OMIM 601885), GJB2 (OMIMs 149200, 601544, 602540, 148210, 148350 and 124500), GJB6 (OMIMs 612643 and 129500). References_x000D__x000D_ Connaughton et al., Am J Hum Genet. 2020 Oct 1;107(4):727-742. PMID: 32891193._x000D__x000D_ Der Kaloustian et al. Am J Med Genet A. 2011 Oct;155A(10):2538-42. PMID: 22043489._x000D__x000D_ Tanteles et al., Clin Dysmorphol. 2011 Apr;20(2):61-5. PMID: 21383552. _x000D__x000D_ Tominaga 2019; Lagou et al., Mol Cytogenet. 2014 Dec 3;7(1):92. PMID: 25506395. _x000D__x000D_ Vulto-van Silfhout et al., Hum Mutat. 2013 Dec;34(12):1679-87. PMID: 24038936._x000D__x000D_

GRCh37/hg19 13q11-12.11(chr13:19436287-22089005)x1

Genes: CRYL1 (crystallin lambda 1; minus strand), EEF1AKMT1 (EEF1A lysine methyltransferase 1; minus strand), GJA3 (gap junction protein alpha 3; minus strand), GJB2 (gap junction protein beta 2; minus strand), GJB6 (gap junction protein beta 6; minus strand) and 15 more. Cytogenetic location: 13q11-12.11.
Variant type: copy number loss.
Change: copy number 1 (one copy instead of two) of chr13:19,436,287-22,089,005 (2.65 Mb, GRCh37 coordinates, 1-based), cytogenetic band 13q11-12.11.
Identifiers: ClinVar variation 1809316 (VCV001809316.1).